The following is an entry in ClinVar:

NM_004211.5(SLC6A5):c.1394C>T (p.Thr465Met)

Gene: SLC6A5 (solute carrier family 6 member 5; plus strand). Cytogenetic location: 11p15.1.
Variant type: single nucleotide variant.
Coding change: c.1394C>T on transcript NM_004211.5 (MANE Select); coding-DNA position 1394, C replaced by T.
Protein change: p.Thr465Met; replaces threonine 465 with methionine.
Molecular consequence: missense variant.
Genome position (GRCh38, 1-based): chr11:20,626,841, C>T. VCF-style: chr11-20626841-C-T. GRCh37 (hg19) VCF-style: chr11-20648387-C-T.
Other names: c.692C>T, p.Thr231Met (NM_001318369.2); short protein forms T465M, T231M.
Identifiers: ClinVar variation 1356884 (VCV001356884.5), dbSNP rs146647574, ClinGen allele CA5921422.
Genomic context (GRCh38, chr11:20,626,841, plus strand): 5'-GAGCTGGAGCTGGGATCTGGTACTTCATCACACCCAAGTGGGAGAAACTCACGGATGCCA[C>T]GGTGGGCTTCTAATTTTATCTATAACCAGCCCTGGGGGAGTGGCCCTCTGGGAGGCTTGG-3'
Protein context (NP_004202.4, residues 455-475): TPKWEKLTDA[Thr465Met]VWKDAATQIF

ClinVar aggregate classification (germline): Uncertain significance. Review status: criteria provided, multiple submitters, no conflicts (2 of 4 stars). 2 submissions from 2 submitters: Uncertain significance (2). Last evaluated 2024-05-07.

Conditions:
Hyperekplexia 3 (HKPX3). Also called: HYPEREKPLEXIA 3, AUTOSOMAL RECESSIVE; HYPEREKPLEXIA 3, AUTOSOMAL DOMINANT. Identifiers: Orphanet 3197, MedGen C3553288, MONDO:0013827, OMIM 614618.

Allele frequency attached by ClinVar (database versions not stated): gnomAD exomes 0.00003 and 0.00006; gnomAD 0.00011 and 0.00012; ExAC 0.00012; TOPMed 0.00012; ESP Exome Variant Server 0.00038.
gnomAD v4.1: 65 of 1,613,636 alleles (0.004%); highest among the groups gnomAD compares: African/African-American, 0.028%; no homozygotes.

Submissions (2):

Blueprint Genetics
Classification: Uncertain significance. Last evaluated: 2024-05-07. Review status: criteria provided, single submitter. Criteria: ACMG Guidelines, 2015. Collection method: clinical testing. Allele origin: germline.

Labcorp Genetics (formerly Invitae), Labcorp
Classification: Uncertain significance for Hyperekplexia 3. Last evaluated: 2024-02-16. Review status: criteria provided, single submitter. Criteria: Invitae Variant Classification Sherloc (09022015). Collection method: clinical testing. Allele origin: germline.
Comment: This sequence change replaces threonine, which is neutral and polar, with methionine, which is neutral and non-polar, at codon 465 of the SLC6A5 protein (p.Thr465Met). This variant is present in population databases (rs146647574, gnomAD 0.05%). This variant has not been reported in the literature in individuals affected with SLC6A5-related conditions. ClinVar contains an entry for this variant (Variation ID: 1356884). An algorithm developed to predict the effect of missense changes on protein structure and function (PolyPhen-2) suggests that this variant¬†is likely to be tolerated. In summary, the available evidence is currently insufficient to determine the role of this variant in disease. Therefore, it has been classified as a Variant of Uncertain Significance.